The following is an entry in ClinVar:

NM_000051.4(ATM):c.8320G>C (p.Val2774Leu)

Genes: ATM (ATM serine/threonine kinase; plus strand), C11orf65 (chromosome 11 open reading frame 65; minus strand). Cytogenetic location: 11q22.3.
Variant type: single nucleotide variant.
Coding change: c.8320G>C on transcript NM_000051.4 (MANE Select); coding-DNA position 8320, G replaced by C.
Protein change: p.Val2774Leu; replaces valine 2774 with leucine.
Molecular consequence: missense variant. On other transcripts: intron variant (2).
Genome position (GRCh38, 1-based): chr11:108,343,273, G>C. VCF-style: chr11-108343273-G-C. GRCh37 (hg19) VCF-style: chr11-108214000-G-C.
Other names: c.8320G>C, p.Val2774Leu (NM_001351834.2); c.641-34202C>G (NM_001330368.2); c.695-7981C>G (NM_001351110.2); short protein forms V2774L.
Identifiers: ClinVar variation 1441917 (VCV001441917.12), dbSNP rs2087821053, ClinGen allele CA382516385.
Genomic context (GRCh38, chr11:108,343,273, plus strand): 5'-TAACTCCAGGTGGTTCCCCTCTCTCAGCGAAGTGGTGTTCTTGAATGGTGCACAGGAACT[G>C]TCCCCATTGGTGAATTTCTTGTTAACAATGAAGATGGTGCTCATAAAAGATACAGGCCAA-3'
Protein context (NP_000042.3, residues 2764-2784): SGVLEWCTGT[Val2774Leu]PIGEFLVNNE

ClinVar aggregate classification (germline): Conflicting classifications of pathogenicity. Review status: criteria provided, conflicting classifications (1 of 4 stars). 5 submissions from 5 submitters: Uncertain significance (4); Likely benign (1). Last evaluated 2026-07-28.

Conditions:
Ataxia-telangiectasia syndrome (AT). Also called: Ataxia-telangiectasia; LOUIS-BAR SYNDROME; Ataxia-telangiectasia, complementation group D; AT, COMPLEMENTATION GROUP C; ATAXIA-TELANGIECTASIA, COMPLEMENTATION GROUP A; ATAXIA-TELANGIECTASIA, FRESNO VARIANT. Identifiers: Orphanet 100, MedGen C0004135, MONDO:0008840, OMIM 208900.
Hereditary cancer-predisposing syndrome. Also called: Tumor predisposition; Neoplastic Syndromes, Hereditary; Hereditary Cancer Syndrome; Hereditary neoplastic syndrome. Identifiers: Orphanet 140162, MedGen C0027672, MeSH D009386, MONDO:0015356.
Familial cancer of breast. Also called: BREAST CANCER, FAMILIAL; Hereditary breast cancer; hereditary breast carcinoma. Identifiers: Orphanet 227535, MedGen C0346153, MONDO:0016419, OMIM 114480. Disease mechanism: loss of function.

Allele frequency attached by ClinVar (database versions not stated): gnomAD exomes below 0.00001; TOPMed below 0.00001.
gnomAD v4.1: 2 of 1,614,012 alleles (0.00012%); highest among the groups gnomAD compares: Non-Finnish European, 0.00017%; no homozygotes.

Submissions (5):

Ambry Genetics
Classification: Likely benign for Hereditary cancer-predisposing syndrome. Last evaluated: 2026-07-28. Review status: criteria provided, single submitter. Criteria: Ambry Variant Classification Scheme 2023. Collection method: clinical testing. Allele origin: germline.

Color Diagnostics, LLC DBA Color Health
Classification: Uncertain significance for Hereditary cancer-predisposing syndrome. Last evaluated: 2024-03-07. Review status: criteria provided, single submitter. Criteria: ACMG Guidelines, 2015. Collection method: clinical testing. Allele origin: germline.
Comment: This missense variant replaces valine with leucine at codon 2774 of the ATM protein. Computational prediction suggests that this variant may not impact protein structure and function (internally defined REVEL score threshold <= 0.5, PMID: 27666373). To our knowledge, functional studies have not been reported for this variant. This variant has not been reported in individuals affected with hereditary cancer in the literature. This variant has not been identified in the general population by the Genome Aggregation Database (gnomAD). The available evidence is insufficient to determine the role of this variant in disease conclusively. Therefore, this variant is classified as a Variant of Uncertain Significance.

Baylor Genetics
Classification: Uncertain significance for Familial cancer of breast. Last evaluated: 2024-02-28. Review status: criteria provided, single submitter. Criteria: ACMG Guidelines, 2015. Collection method: clinical testing. Allele origin: unknown.

Blueprint Genetics
Classification: Uncertain significance. Last evaluated: 2024-02-15. Review status: criteria provided, single submitter. Criteria: ACMG Guidelines, 2015. Collection method: clinical testing. Allele origin: germline.

Labcorp Genetics (formerly Invitae), Labcorp
Classification: Uncertain significance for Ataxia-telangiectasia syndrome. Last evaluated: 2023-08-23. Review status: criteria provided, single submitter. Criteria: Invitae Variant Classification Sherloc (09022015). Collection method: clinical testing. Allele origin: germline.
Comment: ClinVar contains an entry for this variant (Variation ID: 1441917). In summary, the available evidence is currently insufficient to determine the role of this variant in disease. Therefore, it has been classified as a Variant of Uncertain Significance. An algorithm developed to predict the effect of missense changes on protein structure and function (PolyPhen-2) suggests that this variant is likely to be tolerated. This variant has not been reported in the literature in individuals affected with ATM-related conditions. This variant is not present in population databases (gnomAD no frequency). This sequence change replaces valine, which is neutral and non-polar, with leucine, which is neutral and non-polar, at codon 2774 of the ATM protein (p.Val2774Leu).

Literature cited by the submitters: PubMed 40580951 (cited by Ambry Genetics).